The following is an entry in ClinVar:

NM_001267550.2(TTN):c.19294del (p.Ser6432fs)

Gene: TTN (titin; minus strand). Cytogenetic location: 2q31.2.
Variant type: Deletion.
Coding change: c.19294del on transcript NM_001267550.2 (MANE Select); coding-DNA position 19294, one base deleted (T; older notation c.19294delT).
Protein change: p.Ser6432fs; shifts the reading frame from serine 6432.
Molecular consequence: frameshift variant. On other transcripts: intron variant (3).
Genome position (GRCh38, 1-based): chr2:178,728,632, A deleted on the plus strand (T on the coding strand, the reverse complement: TTN is on the minus strand); the first of 4 consecutive A bases (chr2:178,728,632-178,728,635); deleting any one gives the same sequence. VCF-style (leftmost placement, unchanged base first): chr2-178728631-GA-G. GRCh37 (hg19) VCF-style: chr2-179593358-GA-G.
Other names: c.18343del, p.Ser6115fs (NM_001256850.1); c.19291delT, p.Ser6432Glnfs (NM_001267550.1); c.15562del, p.Ser5188fs (NM_133378.4); c.13282+9450del (NM_003319.4); c.13858+9450del (NM_133437.4); c.13657+9450del (NM_133432.3); short protein forms S5188fs, S6115fs, S6432fs.
Identifiers: ClinVar variation 3390402 (VCV003390402.1).

ClinVar aggregate classification (germline): Uncertain significance (1 of 4 stars; one submission).

Submission:

GeneDx
Classification: Uncertain significance. Last evaluated: 2024-06-12. Review status: criteria provided, single submitter. Criteria: GeneDx Variant Classification Process June 2021. Collection method: clinical testing. Allele origin: germline. Affected: yes.
Comment: Has not been previously published as pathogenic or benign to our knowledge; Not observed at significant frequency in large population cohorts (gnomAD); Frameshift variant predicted to result in protein truncation or nonsense mediated decay in a gene or region of a gene for which loss of function is not a well-established mechanism of disease